The following is an entry in ClinVar:

ClinVar aggregate classification (germline): Uncertain significance (1 of 4 stars; one submission).

Submission:

Center for Genomic Medicine, Rigshospitalet, Copenhagen University Hospital
Classification: Uncertain significance. Last evaluated: 2025-12-29. Review status: criteria provided, single submitter. Criteria: ACMG Guidelines, 2015. Collection method: clinical testing. Allele origin: germline.
Comment: Classification criteria: PM1, PM2_supporting, PP3_supporting

Literature cited by the submitters: PubMed 23875798; PubMed 20301303; PubMed 19953625.

NM_005633.4(SOS1):c.1306G>T (p.Asp436Tyr)

Gene: SOS1 (SOS Ras/Rac guanine nucleotide exchange factor 1; minus strand). Cytogenetic location: 2p22.1.
Variant type: single nucleotide variant.
Coding change: c.1306G>T on transcript NM_005633.4 (MANE Select); coding-DNA position 1306, G replaced by T.
Protein change: p.Asp436Tyr; replaces aspartic acid 436 with tyrosine.
Molecular consequence: missense variant.
Genome position (GRCh38, 1-based): chr2:39,023,122, C>A on the plus strand (G>T on the coding strand, the complement: SOS1 is on the minus strand). VCF-style: chr2-39023122-C-A. GRCh37 (hg19) VCF-style: chr2-39250263-C-A.
Other names: c.1285G>T, p.Asp429Tyr (NM_001382394.1); c.1306G>T, p.Asp436Tyr (NM_001382395.1); short protein forms D429Y, D436Y.
Identifiers: ClinVar variation 4539503 (VCV004539503.1).